The following is an entry in ClinVar:

ClinVar aggregate classification (germline): Uncertain significance. Review status: criteria provided, multiple submitters, no conflicts (2 of 4 stars). 6 submissions from 5 submitters: Uncertain significance (5). 1 of the submissions does not count toward it. Last evaluated 2024-02-15.

Conditions:
Retinitis pigmentosa 39 (RP39). Identifiers: Orphanet 791, MedGen C3151138, MONDO:0013436, OMIM 613809.
Usher syndrome type 2A. Also called: RETINAL DISEASE IN USHER SYNDROME TYPE IIA, MODIFIER OF; USHER SYNDROME, TYPE IIA. Identifiers: Orphanet 231178, Orphanet 886, MedGen C1848634, MONDO:0010169, OMIM 276901.

Allele frequency attached by ClinVar (database versions not stated): ExAC 0.00001; gnomAD exomes 0.00002.
gnomAD v4.1: 19 of 1,613,994 alleles (0.0012%); highest among the groups gnomAD compares: Middle Eastern, 0.017%; no homozygotes.

Submissions (6):

Revvity Omics, Revvity
Classification: Uncertain significance. Last evaluated: 2024-02-15. Review status: criteria provided, single submitter. Criteria: ACMG Guidelines, 2015. Collection method: clinical testing. Allele origin: germline.

Genome-Nilou Lab
Classification: Uncertain significance for Retinitis pigmentosa 39. Last evaluated: 2023-11-04. Review status: criteria provided, single submitter. Criteria: ACMG Guidelines, 2015. Collection method: clinical testing. Allele origin: germline. Affected: no.

Genome-Nilou Lab
Classification: Uncertain significance for Usher syndrome type 2A. Last evaluated: 2023-11-04. Review status: criteria provided, single submitter. Criteria: ACMG Guidelines, 2015. Collection method: clinical testing. Allele origin: germline. Affected: no.

GeneDx
Classification: Uncertain significance. Last evaluated: 2023-04-28. Review status: criteria provided, single submitter. Criteria: GeneDx Variant Classification Process June 2021. Collection method: clinical testing. Allele origin: germline. Affected: yes.
Comment: Identified in a patient with an inherited retinal disease who also harbored p.(R4121C) and p.(R1946*) phase unknown in published literature (Zhu et al., 2020); Identified in a patient with an inherited retinal disease who also harbored p.(V4374E) phase unknown in published literature (Gao et al., 2020); Identified in a cohort of patients with suspected inherited retinal disease in published literature (Gao et al., 2019); In silico analysis supports that this missense variant has a deleterious effect on protein structure/function; This variant is associated with the following publications: (PMID: 32675063, 32188678, 31054281)

Labcorp Genetics (formerly Invitae), Labcorp
Classification: Uncertain significance. Last evaluated: 2021-09-01. Review status: criteria provided, single submitter. Criteria: Invitae Variant Classification Sherloc (09022015). Collection method: clinical testing. Allele origin: germline.
Comment: This sequence change replaces arginine with cysteine at codon 4121 of the USH2A protein (p.Arg4121Cys). The arginine residue is highly conserved and there is a large physicochemical difference between arginine and cysteine. This variant is present in population databases (rs772357461, ExAC 0.002%). This missense change has been observed in individual(s) with clinical features of retinitis pigmentosa (PMID: 31054281). Algorithms developed to predict the effect of missense changes on protein structure and function (SIFT, PolyPhen-2, Align-GVGD) all suggest that this variant is likely to be disruptive. In summary, the available evidence is currently insufficient to determine the role of this variant in disease. Therefore, it has been classified as a Variant of Uncertain Significance.

Natera, Inc.
Classification: Uncertain significance for Usher syndrome type 2A. Last evaluated: 2020-04-22. Review status: no assertion criteria provided. Collection method: clinical testing. Allele origin: germline. Not counted in ClinVar's aggregate classification.

Literature cited by the submitters: PubMed 31054281 (cited by Labcorp Genetics (formerly Invitae), Labcorp).

NM_206933.4(USH2A):c.12361C>T (p.Arg4121Cys)

Gene: USH2A (usherin; minus strand). Cytogenetic location: 1q41.
Variant type: single nucleotide variant.
Coding change: c.12361C>T on transcript NM_206933.4 (MANE Select); coding-DNA position 12361, C replaced by T.
Protein change: p.Arg4121Cys; replaces arginine 4121 with cysteine.
Molecular consequence: missense variant.
Genome position (GRCh38, 1-based): chr1:215,675,550, G>A on the plus strand (C>T on the coding strand, the complement: USH2A is on the minus strand). VCF-style: chr1-215675550-G-A. GRCh37 (hg19) VCF-style: chr1-215848892-G-A.
Other names: c.12361C>T (NM_206933.3, NM_206933.2); short protein forms R4121C.
Identifiers: ClinVar variation 1013880 (VCV001013880.6), dbSNP rs772357461, ClinGen allele CA1393480.